The following is an entry in ClinVar:

ClinVar aggregate classification (germline): Pathogenic (1 of 4 stars; one submission).

Allele frequency attached by ClinVar (database versions not stated): gnomAD 0.00002; TOPMed 0.00002.

Submission:

GeneDx
Classification: Pathogenic. Last evaluated: 2023-08-09. Review status: criteria provided, single submitter. Criteria: GeneDx Variant Classification Process June 2021. Collection method: clinical testing. Allele origin: germline. Affected: yes.
Comment: Initiation codon variant in a gene for which loss-of-function is a known mechanism of disease; Not observed in large population cohorts (gnomAD); Has not been previously published as pathogenic or benign to our knowledge

NM_152416.4(NDUFAF6):c.1A>C (p.Met1Leu)

Genes: NDUFAF6 (NADH:ubiquinone oxidoreductase complex assembly factor 6; plus strand), LOC113788297 (Sharpr-MPRA regulatory region 2014; plus strand). Cytogenetic location: 8q22.1.
Variant type: single nucleotide variant.
Coding change: c.1A>C on transcript NM_152416.4 (MANE Select); coding-DNA position 1, A replaced by C.
Protein change: p.Met1Leu; changes the start codon (methionine 1).
Molecular consequence: missense variant, initiator codon variant. On other transcripts: 5 prime UTR variant (12), non-coding transcript variant (6), intron variant (7).
Genome position (GRCh38, 1-based): chr8:95,025,009, A>C. VCF-style: chr8-95025009-A-C. GRCh37 (hg19) VCF-style: chr8-96037237-A-C.
Other names: c.-280A>C (NM_001330582.2, NM_001354521.2); c.-233A>C (NM_001354517.2); c.-452A>C (NM_001354518.2); c.-448A>C (NM_001354519.2); c.-797A>C (NM_001354527.2); c.-768A>C (NM_001354528.2); c.-580A>C (NM_001354529.2); c.-682A>C (NM_001354530.2); and 8 more; short protein forms M1L.
Identifiers: ClinVar variation 2575720 (VCV002575720.2), dbSNP rs1284681229, ClinGen allele CA371742071.